The following is an entry in ClinVar:

NM_000548.5(TSC2):c.3887C>G (p.Ser1296Cys)

Gene: TSC2 (TSC complex subunit 2; plus strand). Cytogenetic location: 16p13.3.
Variant type: single nucleotide variant.
Coding change: c.3887C>G on transcript NM_000548.5 (MANE Select); coding-DNA position 3887, C replaced by G.
Protein change: p.Ser1296Cys; replaces serine 1296 with cysteine.
Molecular consequence: missense variant. On other transcripts: non-coding transcript variant (5).
Genome position (GRCh38, 1-based): chr16:2,083,698, C>G. VCF-style: chr16-2083698-C-G. GRCh37 (hg19) VCF-style: chr16-2133699-C-G.
Other names: c.3629C>G, p.Ser1210Cys (NM_001406677.1); c.3575C>G, p.Ser1192Cys (NM_001406678.1); c.3539C>G, p.Ser1180Cys (NM_001406679.1); c.3287C>G, p.Ser1096Cys (NM_001406680.1); c.3227C>G, p.Ser1076Cys (NM_001406681.1); c.3218C>G, p.Ser1073Cys (NM_001406682.1, NM_001406683.1); c.3215C>G, p.Ser1072Cys (NM_001406684.1); c.3089C>G, p.Ser1030Cys (NM_001406685.1, NM_001406686.1); and 26 more; short protein forms S1052C, S1181C, S1223C, S1230C, S1240C, S1252C, S1029C, S1073C.
Identifiers: ClinVar variation 4557237 (VCV004557237.1).
Genomic context (GRCh38, chr16:2,083,698, plus strand): 5'-TCAGGGCCAGGGCCTGGCCCAGCCCCACATCCAGCAGCCCCGTCTGTGTCCTCCCAGACT[C>G]CGCCGTGGTCATGGAGGAGGGAAGTCCGGGCGAGGTTCCTGTGCTGGTGGAGCCCCCAGG-3'
Protein context (NP_000539.2, residues 1286-1306): QLHRSVSWAD[Ser1296Cys]AVVMEEGSPG

ClinVar aggregate classification (germline): Uncertain significance (1 of 4 stars; one submission).

Conditions:
Hereditary cancer-predisposing syndrome. Also called: Tumor predisposition; Hereditary Cancer Syndrome; Hereditary neoplastic syndrome; Neoplastic Syndromes, Hereditary. Identifiers: Orphanet 140162, MedGen C0027672, MeSH D009386, MONDO:0015356.

Submission:

Ambry Genetics
Classification: Uncertain significance for Hereditary cancer-predisposing syndrome. Last evaluated: 2025-11-25. Review status: criteria provided, single submitter. Criteria: Ambry Variant Classification Scheme 2023. Collection method: clinical testing. Allele origin: germline.
Comment: The p.S1296C variant (also known as c.3887C>G), located in coding exon 32 of the TSC2 gene, results from a C to G substitution at nucleotide position 3887. The serine at codon 1296 is replaced by cysteine, an amino acid with dissimilar properties. This amino acid position is highly conserved in available vertebrate species. In addition, the in silico prediction for this alteration is inconclusive. Based on the available evidence, the clinical significance of this variant remains unclear.